The following is an entry in ClinVar:

NM_006031.6(PCNT):c.4695A>G (p.Lys1565=)

Gene: PCNT (pericentrin; plus strand). Cytogenetic location: 21q22.3.
Variant type: single nucleotide variant.
Coding change: c.4695A>G on transcript NM_006031.6 (MANE Select); coding-DNA position 4695, A replaced by G.
Protein change: p.Lys1565=; no amino-acid change (lysine 1565 retained).
Molecular consequence: synonymous variant.
Genome position (GRCh38, 1-based): chr21:46,399,700, A>G. VCF-style: chr21-46399700-A-G. GRCh37 (hg19) VCF-style: chr21-47819614-A-G.
Other names: c.4341A>G, p.Lys1447= (NM_001315529.2).
Identifiers: ClinVar variation 5000271 (VCV005000271.1).
Genomic context (GRCh38, chr21:46,399,700, plus strand): 5'-ATTGGCTATACAGAAAGAGTCGGCAGATAGACAAGTGTTAATGCAGGAAGAAGAAATTAA[A>G]CGTCTGGAGGAGATGAACATCAACATCAGGAAAAAAGTGGCCCAGCTCCAGGAAGAAGTG-3'
Protein context (NP_006022.3, residues 1555-1575): RQVLMQEEEI[Lys1565=]RLEEMNINIR

ClinVar aggregate classification (germline): Likely benign (1 of 4 stars; one submission).

Conditions:
PCNT-related disorder. Also called: PCNT-related condition.

gnomAD v4.1: 1 of 1,614,024 alleles (0.000062%); highest among the groups gnomAD compares: African/African-American, 0.0013%; no homozygotes.

Submission:

PreventionGenetics, part of Exact Sciences
Classification: Likely benign for PCNT-related condition. Last evaluated: 2025-07-03. Review status: criteria provided, single submitter. Criteria: ACMG Guidelines, 2015. Collection method: clinical testing. Allele origin: germline.
Comment: This variant is classified as likely benign based on ACMG/AMP sequence variant interpretation guidelines (Richards et al. 2015 PMID: 25741868, with internal and published modifications).